The following is an entry in ClinVar:

ClinVar aggregate classification (germline): Likely benign. Review status: criteria provided, multiple submitters, no conflicts (2 of 4 stars). 4 submissions from 4 submitters: Likely benign (2). 2 of the submissions do not count toward it. Last evaluated 2026-08-01.

Conditions:
Autosomal recessive inherited pseudoxanthoma elasticum (PXE). Identifiers: Orphanet 758, MedGen CN032334, MONDO:0009925, OMIM 264800.

Allele frequency attached by ClinVar (database versions not stated): gnomAD exomes 0.00081 and 0.00238; gnomAD 0.00099 and 0.00101; TOPMed 0.00101; ExAC 0.00448.
gnomAD v4.1: 1,382 of 1,550,582 alleles (0.089%); highest among the groups gnomAD compares: Middle Eastern, 0.28%; 21 homozygotes.

Submissions (4):

CeGaT Center for Human Genetics Tuebingen
Classification: Likely benign. Last evaluated: 2026-08-01. Review status: criteria provided, single submitter. Criteria: CeGaT Center For Human Genetics Tuebingen Variant Classification Criteria Version 2. Collection method: clinical testing. Allele origin: germline. Affected: yes. Observed: 2 variant alleles.
Comment: ABCC6: BS2

GeneDx
Classification: Likely benign. Last evaluated: 2019-11-11. Review status: criteria provided, single submitter. Criteria: GeneDx Variant Classification Process June 2021. Collection method: clinical testing. Allele origin: germline. Affected: yes.
Comment: See Variant Classification Assertion Criteria.

PXE International
Classification: Benign for Autosomal recessive inherited pseudoxanthoma elasticum. Last evaluated: 2021-03-01. Review status: no assertion criteria provided. Collection method: research. Allele origin: germline. Inheritance: Autosomal recessive inheritance. Affected: yes. Not counted in ClinVar's aggregate classification.

Reproductive Health Research and Development, BGI Genomics
Classification: Likely benign for Pseudoxanthoma elasticum. Last evaluated: 2020-01-06. Review status: no assertion criteria provided. Collection method: curation. Allele origin: germline. Not counted in ClinVar's aggregate classification.
Comment: NG_007558.2(NM_001171.5):c.600+23C>T in the ABCC6 gene has an allele frequency of 0.035 in Ashkenazi Jewish subpopulation in the gnomAD database. It was identified in a pseudoxanthoma elasticum Family (PMID: 16086317). Benign computational verdict because benign prediction from DANN. Taken together, we interprete this variant as Benign/Likely benign variant. ACMG/AMP criteria applied: BS1, BP4, PP4.

Literature cited by the submitters: PubMed 16086317 (cited by PXE International).

NM_001171.6(ABCC6):c.600+23C>T

Gene: ABCC6 (ATP binding cassette subfamily C member 6; minus strand). Cytogenetic location: 16p13.11.
Variant type: single nucleotide variant.
Coding change: c.600+23C>T on transcript NM_001171.6 (MANE Select); 23 bases into the intron after coding-DNA position 600, C replaced by T.
Molecular consequence: intron variant.
Genome position (GRCh38, 1-based): chr16:16,214,301, G>A on the plus strand (C>T on the coding strand, the complement: ABCC6 is on the minus strand). VCF-style: chr16-16214301-G-A. GRCh37 (hg19) VCF-style: chr16-16308158-G-A.
Other names: c.258+23C>T (NM_001351800.1).
Identifiers: ClinVar variation 433375 (VCV000433375.13), dbSNP rs72664290, ClinGen allele CA7926621.